The following is an entry in ClinVar:

ClinVar aggregate classification (germline): Uncertain significance. Review status: reviewed by expert panel (3 of 4 stars). 2 submissions from 2 submitters: Uncertain significance (1). 1 of the submissions does not count toward it. Last evaluated 2024-06-13.

Conditions:
Severe combined immunodeficiency due to DCLRE1C deficiency (RS-SCID). Also called: SCID, AUTOSOMAL RECESSIVE, T CELL-NEGATIVE, B CELL-NEGATIVE, NK CELL-POSITIVE, WITH SENSITIVITY TO IONIZING RADIATION. Identifiers: Orphanet 275, MedGen C1865371, MONDO:0011225, OMIM 602450.

Allele frequency attached by ClinVar (database versions not stated): ExAC 0.00002; gnomAD 0.00006 and 0.00005; 1000 Genomes Project 30x 0.00016; gnomAD exomes 0.00001 and 0.00002; TOPMed 0.00008; 1000 Genomes Project 0.00020.
gnomAD v4.1: 18 of 1,614,060 alleles (0.0011%); highest among the groups gnomAD compares: African/African-American, 0.02%; no homozygotes.

Submissions (2):

ClinGen Severe Combined Immunodeficiency Variant Curation Expert Panel, ClinGen
Classification: Uncertain significance for Severe combined immunodeficiency due to DCLRE1C deficiency. Last evaluated: 2024-06-13. Review status: reviewed by expert panel. Criteria: ClinGen SCID ACMG Specifications DCLRE1C V1.0.0. Collection method: curation. Allele origin: germline. Inheritance: Autosomal recessive inheritance.
Comment: The c.526A>G (NM_001033855.3) variant in DCLRE1C is a missense variant predicted to cause the substitution of Isoleucine by Valine at amino acid 176 (p.Ile176Val). The filtering allele frequency (the upper threshold of the 95% CI of 15/75028 alleles) of the c.526A>G variant in DCLRE1C is 0.0001227 for African/African American chromosomes by gnomAD v4, which is lower than the SCID-VCEP threshold for BS1 (>0.00078) and BA1 (>0.00346) but higher than the threshold (<0.00003266) for PM2_Supporting (BS1 not met, BA1 not met, PM2_Supporting not met). No homozygotes have been observed in gnomAD. To our knowledge, this variant has not been reported in the literature in individuals affected with SCID/DCLRE1C-related conditions or in functional studies. In summary, this variant meets the criteria to be classified as a variant of uncertain significance for autosomal recessive severe combined immunodeficiency due to DCLRE1C deficiency based on the ACMG/AMP criteria applied, as specified by the ClinGen SCID VCEP (specification version 1.0): No criteria were applied.

Eurofins Ntd Llc (ga)
Classification: Uncertain significance. Last evaluated: 2016-06-10. Review status: criteria provided, single submitter. Criteria: EGL Classification Definitions 2015. Collection method: clinical testing. Allele origin: germline. Observed: 1 variant allele, 1 heterozygote. Not counted in ClinVar's aggregate classification.

NM_001033855.3(DCLRE1C):c.526A>G (p.Ile176Val)

Gene: DCLRE1C (DNA cross-link repair 1C; minus strand). Cytogenetic location: 10p13.
Variant type: single nucleotide variant.
Coding change: c.526A>G on transcript NM_001033855.3 (MANE Select); coding-DNA position 526, A replaced by G.
Protein change: p.Ile176Val; replaces isoleucine 176 with valine.
Molecular consequence: missense variant. On other transcripts: non-coding transcript variant (4).
Genome position (GRCh38, 1-based): chr10:14,934,714, T>C on the plus strand (A>G on the coding strand, the complement: DCLRE1C is on the minus strand). VCF-style: chr10-14934714-T-C. GRCh37 (hg19) VCF-style: chr10-14976713-T-C.
Other names: NM_001033855.3(DCLRE1C):c.526A>G; p.Ile176Val; c.166A>G, p.Ile56Val (NM_001033857.3, NM_001033858.3, NM_001289077.2 and 2 more transcripts); c.181A>G, p.Ile61Val (NM_001289076.2, NM_001289078.2, NM_001350966.2 and 1 more transcripts); c.526A>G, p.Ile176Val (NM_001350965.2); short protein forms I176V, I56V, I61V.
Identifiers: ClinVar variation 288327 (VCV000288327.5), dbSNP rs182977883, ClinGen allele CA5416811.